The following is an entry in ClinVar:

NM_005045.4(RELN):c.1861A>G (p.Ser621Gly)

Gene: RELN (reelin; minus strand). Cytogenetic location: 7q22.1.
Variant type: single nucleotide variant.
Coding change: c.1861A>G on transcript NM_005045.4 (MANE Select); coding-DNA position 1861, A replaced by G.
Protein change: p.Ser621Gly; replaces serine 621 with glycine.
Molecular consequence: missense variant.
Genome position (GRCh38, 1-based): chr7:103,651,692, T>C on the plus strand (A>G on the coding strand, the complement: RELN is on the minus strand). VCF-style: chr7-103651692-T-C. GRCh37 (hg19) VCF-style: chr7-103292139-T-C.
Other names: c.1861A>G, p.Ser621Gly (NM_173054.3); short protein forms S621G.
Identifiers: ClinVar variation 4975897 (VCV004975897.1).

ClinVar aggregate classification (germline): Uncertain significance (1 of 4 stars; one submission).

Submission:

GeneDx
Classification: Uncertain significance. Last evaluated: 2026-02-12. Review status: criteria provided, single submitter. Criteria: GeneDx Variant Classification Process June 2021. Collection method: clinical testing. Allele origin: germline.
Comment: Not observed at significant frequency in large population cohorts (gnomAD); In silico analysis suggests that this missense variant does not alter protein structure/function; Has not been previously published as pathogenic or benign to our knowledge